The following is an entry in ClinVar:

NM_001166108.2(PALLD):c.3112G>C (p.Val1038Leu)

Genes: CBR4 (carbonyl reductase 4; minus strand), PALLD (palladin, cytoskeletal associated protein; plus strand). Cytogenetic location: 4q32.3.
Variant type: single nucleotide variant.
Coding change: c.3112G>C on transcript NM_001166108.2 (MANE Select); coding-DNA position 3112, G replaced by C.
Protein change: p.Val1038Leu; replaces valine 1038 with leucine.
Molecular consequence: missense variant.
Genome position (GRCh38, 1-based): chr4:168,924,308, G>C. VCF-style: chr4-168924308-G-C. GRCh37 (hg19) VCF-style: chr4-169845459-G-C.
Other names: c.1915G>C, p.Val639Leu (NM_001166109.2); c.1600G>C, p.Val534Leu (NM_001166110.2); c.940G>C, p.Val314Leu (NM_001367567.1, NM_001367569.1); c.991G>C, p.Val331Leu (NM_001367568.1, NM_001367570.1); c.3061G>C, p.Val1021Leu (NM_016081.4); short protein forms V1021L, V639L, V314L, V331L, V534L, V1038L.
Identifiers: ClinVar variation 839548 (VCV000839548.10), dbSNP rs1762161869, ClinGen allele CA358712040.
Genomic context (GRCh38, chr4:168,924,308, plus strand): 5'-TTCTTAGCTAAAGAAGCACACAAACCCCCTGTGTTTATTGAGAAGCTCCAAAACACAGGA[G>C]TTGCTGATGGGTACCCAGTGCGGCTGGAATGTCGTGTATTGGGAGTGCCACCACCTCAGA-3'
Protein context (NP_001159580.1, residues 1028-1048): VFIEKLQNTG[Val1038Leu]ADGYPVRLEC

ClinVar aggregate classification (germline): Uncertain significance. Review status: criteria provided, multiple submitters, no conflicts (2 of 4 stars). 2 submissions from 2 submitters: Uncertain significance (2). Last evaluated 2025-01-14.

Conditions:
Pancreatic adenocarcinoma. Identifiers: MedGen C0281361, MONDO:0006047, HP:0006725.

Submissions (2):

Ambry Genetics
Classification: Uncertain significance. Last evaluated: 2025-01-14. Review status: criteria provided, single submitter. Criteria: Ambry Variant Classification Scheme 2023. Collection method: clinical testing. Allele origin: germline.
Comment: The p.V534L variant (also known as c.1600G>C), located in coding exon 9 of the PALLD gene, results from a G to C substitution at nucleotide position 1600. The valine at codon 534 is replaced by leucine, an amino acid with highly similar properties. This amino acid position is conserved. In addition, the in silico prediction for this alteration is inconclusive. Based on the available evidence, the clinical significance of this variant remains unclear.

Labcorp Genetics (formerly Invitae), Labcorp
Classification: Uncertain significance for Pancreatic adenocarcinoma. Last evaluated: 2024-02-07. Review status: criteria provided, single submitter. Criteria: Invitae Variant Classification Sherloc (09022015). Collection method: clinical testing. Allele origin: germline.
Comment: This sequence change replaces valine, which is neutral and non-polar, with leucine, which is neutral and non-polar, at codon 534 of the PALLD protein (p.Val534Leu). This variant is not present in population databases (gnomAD no frequency). This variant has not been reported in the literature in individuals affected with PALLD-related conditions. ClinVar contains an entry for this variant (Variation ID: 839548). An algorithm developed to predict the effect of missense changes on protein structure and function (PolyPhen-2) suggests that this variant is likely to be tolerated. In summary, the available evidence is currently insufficient to determine the role of this variant in disease. Therefore, it has been classified as a Variant of Uncertain Significance.